The following is an entry in ClinVar:

ClinVar aggregate classification (germline): Uncertain significance (1 of 4 stars; one submission).

Conditions:
X-linked immunodeficiency with magnesium defect, Epstein-Barr virus infection and neoplasia. Identifiers: Orphanet 317476, MedGen C3275445, MONDO:0010455, OMIM 300853.

Allele frequency attached by ClinVar (database versions not stated): gnomAD exomes below 0.00001.

Submission:

Labcorp Genetics (formerly Invitae), Labcorp
Classification: Uncertain significance for X-linked immunodeficiency with magnesium defect, Epstein-Barr virus infection and neoplasia. Last evaluated: 2023-11-27. Review status: criteria provided, single submitter. Criteria: Invitae Variant Classification Sherloc (09022015). Collection method: clinical testing. Allele origin: germline.
Comment: This sequence change replaces arginine, which is basic and polar, with glutamine, which is neutral and polar, at codon 331 of the MAGT1 protein (p.Arg331Gln). This variant is not present in population databases (gnomAD no frequency). This variant has not been reported in the literature in individuals affected with MAGT1-related conditions. Advanced modeling of protein sequence and biophysical properties (such as structural, functional, and spatial information, amino acid conservation, physicochemical variation, residue mobility, and thermodynamic stability) performed at Invitae indicates that this missense variant is not expected to disrupt MAGT1 protein function with a negative predictive value of 80%. In summary, the available evidence is currently insufficient to determine the role of this variant in disease. Therefore, it has been classified as a Variant of Uncertain Significance.

NM_001367916.1(MAGT1):c.896G>A (p.Arg299Gln)

Gene: MAGT1 (magnesium transporter 1; minus strand). Cytogenetic location: Xq21.1.
Variant type: single nucleotide variant.
Coding change: c.896G>A on transcript NM_001367916.1 (MANE Select); coding-DNA position 896, G replaced by A.
Protein change: p.Arg299Gln; replaces arginine 299 with glutamine.
Molecular consequence: missense variant.
Genome position (GRCh38, 1-based): chrX:77,841,251, C>T on the plus strand (G>A on the coding strand, the complement: MAGT1 is on the minus strand). VCF-style: chrX-77841251-C-T. GRCh37 (hg19) VCF-style: chrX-77096748-C-T.
Other names: c.992G>A, p.Arg331Gln (NM_032121.5); short protein forms R299Q, R331Q.
Identifiers: ClinVar variation 2974785 (VCV002974785.3), dbSNP rs1399158479, ClinGen allele CA413711423.